The following is an entry in ClinVar:

NM_030948.6(PHACTR1):c.*5C>T

Genes: PHACTR1 (phosphatase and actin regulator 1; plus strand), TBC1D7-LOC100130357 (TBC1D7-LOC100130357 readthrough; minus strand), LOC100130357 (uncharacterized LOC100130357; minus strand). Cytogenetic location: 6p24.1.
Variant type: single nucleotide variant.
Coding change: c.*5C>T on transcript NM_030948.6 (MANE Select); 5 bases downstream of the stop codon, C replaced by T.
Molecular consequence: 3 prime UTR variant. On other transcripts: intron variant (1).
Genome position (GRCh38, 1-based): chr6:13,287,083, C>T. VCF-style: chr6-13287083-C-T. GRCh37 (hg19) VCF-style: chr6-13287315-C-T.
Other names: c.*5C>T (NM_001242648.4, NM_001322308.3, NM_001322309.3 and 5 more transcripts); c.*797C>T (NM_001374581.2, NM_001374583.2); c.*39+17979G>A (NM_001318809.2).
Identifiers: ClinVar variation 3038786 (VCV003038786.2), dbSNP rs114265092, ClinGen allele CA3639511.

ClinVar aggregate classification (germline): Benign (0 of 4 stars; one submission).

Conditions:
PHACTR1-related disorder. Also called: PHACTR1-related condition.

Allele frequency attached by ClinVar (database versions not stated): gnomAD 0.00329; 1000 Genomes Project 0.00339; 1000 Genomes Project 30x 0.00375; ESP Exome Variant Server 0.00382.
gnomAD v4.1: 996 of 1,605,068 alleles (0.062%); highest among the groups gnomAD compares: African/African-American, 1.1%; 10 homozygotes.

Submission:

PreventionGenetics, part of Exact Sciences
Classification: Benign for PHACTR1-related condition. Last evaluated: 2019-05-28. Review status: no assertion criteria provided. Collection method: clinical testing. Allele origin: germline.
Comment: This variant is classified as benign based on ACMG/AMP sequence variant interpretation guidelines (Richards et al. 2015 PMID: 25741868, with internal and published modifications).